The following is an entry in ClinVar:

NM_000062.3(SERPING1):c.1265del (p.Ser422fs)

Gene: SERPING1 (serpin family G member 1; plus strand). Cytogenetic location: 11q12.1.
Variant type: Deletion.
Coding change: c.1265del on transcript NM_000062.3 (MANE Select); coding-DNA position 1265, one base deleted (C; older notation c.1265delC).
Protein change: p.Ser422fs; shifts the reading frame from serine 422.
Molecular consequence: frameshift variant.
Genome position (GRCh38, 1-based): chr11:57,614,343, C deleted. VCF-style (leftmost placement, unchanged base first): chr11-57614342-TC-T. GRCh37 (hg19) VCF-style: chr11-57381815-TC-T.
Other names: c.1265del, p.Ser422fs (NM_001032295.2); c.1265delC (NM_000062.3); short protein forms S422fs.
Identifiers: ClinVar variation 3256527 (VCV003256527.2).

ClinVar aggregate classification (germline): Pathogenic (1 of 4 stars; one submission).

Conditions:
Hereditary angioedema type 1 (HAE1). Identifiers: Orphanet 100050, Orphanet 100051, Orphanet 91378, MedGen C2717906, MONDO:0015053, OMIM 106100.

Submission:

DNA-diagnostics Laboratory, Research Centre For Medical Genetics
Classification: Pathogenic for Hereditary angioedema type 1. Last evaluated: 2024-07-27. Review status: criteria provided, single submitter. Criteria: ACMG Guidelines, 2015. Collection method: research. Allele origin: germline. Inheritance: Autosomal dominant inheritance. Affected: yes. Observed: 1 heterozygote.
Comment: According to our observation and the published information (Zhi et al., 2003, Xu et al., 2012), the c.1265delC variant in SERPING1 meets ACMG/ClinGen SVI guidance criteria to be classified as pathogenic: PVS1_Str, PS4_Mod, PP4_Mod, PM2_Sup

Literature cited by the submitters: PubMed 14714307; DOI 10.1111/all.12024.